The following is an entry in ClinVar:

ClinVar aggregate classification (germline): Uncertain significance (1 of 4 stars; one submission).

Conditions:
Ulnar-mammary syndrome (UMS). Also called: Ulnar-mammary syndrome of Pallister; PALLISTER ULNAR-MAMMARY SYNDROME; SCHINZEL SYNDROME. Identifiers: Orphanet 3138, MedGen C1866994, MONDO:0008411, OMIM 181450.

Submission:

Labcorp Genetics (formerly Invitae), Labcorp
Classification: Uncertain significance for Ulnar-mammary syndrome. Last evaluated: 2024-01-30. Review status: criteria provided, single submitter. Criteria: Invitae Variant Classification Sherloc (09022015). Collection method: clinical testing. Allele origin: germline.
Comment: This variant, c.2041_2091del, results in the deletion of 17 amino acid(s) of the TBX3 protein (p.Ser681_Ala697del), but otherwise preserves the integrity of the reading frame. This variant is not present in population databases (gnomAD no frequency). This variant has not been reported in the literature in individuals affected with TBX3-related conditions. Experimental studies and prediction algorithms are not available or were not evaluated, and the functional significance of this variant is currently unknown. In summary, the available evidence is currently insufficient to determine the role of this variant in disease. Therefore, it has been classified as a Variant of Uncertain Significance.

NM_005996.4(TBX3):c.2041_2091del (p.Ser681_Ala697del)

Gene: TBX3 (T-box transcription factor 3; minus strand). Cytogenetic location: 12q24.21.
Variant type: Deletion.
Coding change: c.2041_2091del on transcript NM_005996.4 (MANE Select); coding-DNA positions 2041 to 2091, 51 bases deleted.
Protein change: p.Ser681_Ala697del.
Molecular consequence: inframe deletion.
Genome position (GRCh38, 1-based): chr12:114,671,922-114,671,972, 51 bases deleted. GRCh37 (hg19): chr12:115,109,729-115,109,779.
Other names: c.2101_2151del, p.Ser701_Ala717del (NM_016569.4).
Identifiers: ClinVar variation 2887228 (VCV002887228.3), dbSNP rs2499783035, ClinGen allele CA2621129654.